The following is an entry in ClinVar:

ClinVar aggregate classification (germline): Uncertain significance. Review status: criteria provided, multiple submitters, no conflicts (2 of 4 stars). 2 submissions from 2 submitters: Uncertain significance (2). Last evaluated 2025-06-06.

Conditions:
Inborn genetic diseases. Identifiers: MedGen C0950123, MeSH D030342.

Allele frequency attached by ClinVar (database versions not stated): gnomAD exomes below 0.00001; ExAC 0.00001; gnomAD 0.00003; TOPMed 0.00006; ESP Exome Variant Server 0.00008.
gnomAD v4.1: 11 of 1,614,066 alleles (0.00068%); highest among the groups gnomAD compares: African/African-American, 0.012%; no homozygotes.

Submissions (2):

Ambry Genetics
Classification: Uncertain significance for Inborn genetic diseases. Last evaluated: 2025-06-06. Review status: criteria provided, single submitter. Criteria: Ambry Variant Classification Scheme 2023. Collection method: clinical testing. Allele origin: germline.

Labcorp Genetics (formerly Invitae), Labcorp
Classification: Uncertain significance. Last evaluated: 2022-05-31. Review status: criteria provided, single submitter. Criteria: Invitae Variant Classification Sherloc (09022015). Collection method: clinical testing. Allele origin: germline.
Comment: This sequence change replaces glutamine, which is neutral and polar, with glutamic acid, which is acidic and polar, at codon 94 of the NANS protein (p.Gln94Glu). This variant is present in population databases (rs373185613, gnomAD 0.02%). This variant has not been reported in the literature in individuals affected with NANS-related conditions. Algorithms developed to predict the effect of missense changes on protein structure and function are either unavailable or do not agree on the potential impact of this missense change (SIFT: "Deleterious"; PolyPhen-2: "Benign"; Align-GVGD: "Class C25"). In summary, the available evidence is currently insufficient to determine the role of this variant in disease. Therefore, it has been classified as a Variant of Uncertain Significance.

NM_018946.4(NANS):c.280C>G (p.Gln94Glu)

Genes: NANS (N-acetylneuraminate synthase; plus strand), TRIM14 (tripartite motif containing 14; minus strand). Cytogenetic location: 9q22.33.
Variant type: single nucleotide variant.
Coding change: c.280C>G on transcript NM_018946.4 (MANE Select); coding-DNA position 280, C replaced by G.
Protein change: p.Gln94Glu; replaces glutamine 94 with glutamic acid.
Molecular consequence: missense variant.
Genome position (GRCh38, 1-based): chr9:98,060,929, C>G. VCF-style: chr9-98060929-C-G. GRCh37 (hg19) VCF-style: chr9-100823211-C-G.
Other names: c.280C>G (NM_018946.3); short protein forms Q94E.
Identifiers: ClinVar variation 1928281 (VCV001928281.6), dbSNP rs373185613, ClinGen allele CA5150230.